The following is an entry in ClinVar:

NM_015506.3(MMACHC):c.463G>A (p.Gly155Arg)

Gene: MMACHC (metabolism of cobalamin associated C; plus strand). Cytogenetic location: 1p34.1.
Variant type: single nucleotide variant.
Coding change: c.463G>A on transcript NM_015506.3 (MANE Select); coding-DNA position 463, G replaced by A.
Protein change: p.Gly155Arg; replaces glycine 155 with arginine.
Molecular consequence: missense variant.
Genome position (GRCh38, 1-based): chr1:45,508,829, G>A. VCF-style: chr1-45508829-G-A. GRCh37 (hg19) VCF-style: chr1-45974501-G-A.
Other names: c.292G>A, p.Gly98Arg (NM_001330540.2); short protein forms G155R, G98R.
Identifiers: ClinVar variation 4854300 (VCV004854300.1).

ClinVar aggregate classification (germline): Likely pathogenic (1 of 4 stars; one submission).

Conditions:
Cobalamin C disease. Also called: Methylmalonic aciduria and homocystinuria, Vitamin B12-responsive; Vitamin B12 metabolic defect with combined deficiency of methylmalonyl-CoA mutase and homocysteine:methyltetrahydrofolate methyltransferase; Cobalamin-C methylmalonic acidemia and homocystinuria; Methylmalonic acidemia and homocystinuria cblC type; methylmalonic aciduria and homocystinuria type cblC; Methylmalonic aciduria with homocystinuria cblC type. Identifiers: Orphanet 26, Orphanet 79282, MedGen C1848561, MONDO:0010184, OMIM 277400.

gnomAD v4.1: 1 of 1,614,126 alleles (0.000062%); highest among the groups gnomAD compares: Non-Finnish European, 0.000085%; no homozygotes.

Submission:

3billion
Classification: Likely pathogenic for Cobalamin C disease. Last evaluated: 2026-01-15. Review status: criteria provided, single submitter. Criteria: ACMG Guidelines, 2015. Collection method: clinical testing. Allele origin: germline. Affected: yes.
Comment: The variant is observed at an extremely low frequency in the gnomAD v4.1.0 dataset (total allele frequency: <0.001%). Predicted Consequence/Location: Missense variant In silico tool predictions suggest damaging effect of the variant on gene or gene product [REVEL: 0.95 (>=0.6, sensitivity 0.68 and specificity 0.92); 3Cnet: 0.99 (> 0.75, sensitivity 0.96 and precision 0.92)]. The different nucleotide change resulting in the same amino acid change has been previously reported as pathogenic/likely pathogenic with strong evidence (ClinVar ID: VCV002202759 /PMID: 26149271). A different missense change at the same codon (p.Gly155Glu) has been reported to be associated with MMACHC-related disorder (ClinVar ID: VCV000161119 /PMID: 23837176). Therefore, this variant is classified as Likely pathogenic according to the recommendation of ACMG/AMP guideline.

Literature cited by the submitters: PubMed 26149271; PubMed 23837176.